The following is an entry in ClinVar:

NC_012920.1(MT-ATP8):m.8542T>C

Genes: MT-ATP8 (mitochondrially encoded ATP synthase 8; plus strand), MT-ATP6 (mitochondrially encoded ATP synthase 6; plus strand).
Variant type: single nucleotide variant.
Genome position: chrM-8542-T-C.
Identifiers: ClinVar variation 692892 (VCV000692892.1), dbSNP rs1603221575, ClinGen allele CA414796588.

ClinVar aggregate classification (germline): Benign (1 of 4 stars; one submission).

Conditions:
Leigh syndrome (NULS). Also called: Leigh's necrotizing encephalopathy; Leigh's disease; Leigh Syndrome (mtDNA deletion); Leigh Disease; Subacute necrotizing encephalopathy; Necrotizing encephalopathy infantile subacute of Leigh. Identifiers: Orphanet 506, MedGen C2931891, MONDO:0009723, OMIM 256000.

Submission:

Wong Mito Lab, Molecular and Human Genetics, Baylor College of Medicine
Classification: Benign for Leigh syndrome. Last evaluated: 2019-10-17. Review status: criteria provided, single submitter. Criteria: Modified ACMG Guidelines (Unpublished). Collection method: clinical testing. Allele origin: germline.
Comment: The NC_012920.1:m.8542T>C (YP_003024031.1:p.Phe6Leu) variant in MTATP6 gene is interpretated to be a Benign variant based on the modified ACMG guidelines (unpublished). This variant meets the following evidence codes: BS1, BS4